The following is an entry in ClinVar:

ClinVar aggregate classification (germline): Uncertain significance. Review status: criteria provided, multiple submitters, no conflicts (2 of 4 stars). 2 submissions from 2 submitters: Uncertain significance (2). Last evaluated 2026-07-06.

Conditions:
Hereditary cancer-predisposing syndrome. Also called: Tumor predisposition; Hereditary Cancer Syndrome; Hereditary neoplastic syndrome; Neoplastic Syndromes, Hereditary. Identifiers: Orphanet 140162, MedGen C0027672, MeSH D009386, MONDO:0015356.
Gorlin syndrome. Also called: Basal cell nevus syndrome; Nevoid Basal Cell Carcinoma Syndrome. Identifiers: Orphanet 377, MedGen C0004779, MONDO:0007187.

Submissions (2):

Ambry Genetics
Classification: Uncertain significance for Hereditary cancer-predisposing syndrome. Last evaluated: 2026-07-06. Review status: criteria provided, single submitter. Criteria: Ambry Variant Classification Scheme 2023. Collection method: clinical testing. Allele origin: germline.
Comment: The p.C474Y variant (also known as c.1421G>A), located in coding exon 12 of the PTCH1 gene, results from a G to A substitution at nucleotide position 1421. The cysteine at codon 474 is replaced by tyrosine, an amino acid with highly dissimilar properties. This amino acid position is conserved. In addition, this alteration is predicted to be deleterious by in silico analysis. Based on the available evidence, the clinical significance of this variant remains unclear.

Labcorp Genetics (formerly Invitae), Labcorp
Classification: Uncertain significance for Gorlin syndrome. Last evaluated: 2022-02-14. Review status: criteria provided, single submitter. Criteria: Invitae Variant Classification Sherloc (09022015). Collection method: clinical testing. Allele origin: germline.
Comment: This variant has not been reported in the literature in individuals affected with PTCH1-related conditions. This sequence change replaces cysteine, which is neutral and slightly polar, with tyrosine, which is neutral and polar, at codon 540 of the PTCH1 protein (p.Cys540Tyr). This variant is not present in population databases (gnomAD no frequency). Advanced modeling of protein sequence and biophysical properties (such as structural, functional, and spatial information, amino acid conservation, physicochemical variation, residue mobility, and thermodynamic stability) performed at Invitae indicates that this missense variant is expected to disrupt PTCH1 protein function. In summary, the available evidence is currently insufficient to determine the role of this variant in disease. Therefore, it has been classified as a Variant of Uncertain Significance.

NM_000264.5(PTCH1):c.1619G>A (p.Cys540Tyr)

Gene: PTCH1 (patched 1; minus strand). Cytogenetic location: 9q22.32.
Variant type: single nucleotide variant.
Coding change: c.1619G>A on transcript NM_000264.5 (MANE Select); coding-DNA position 1619, G replaced by A.
Protein change: p.Cys540Tyr; replaces cysteine 540 with tyrosine.
Molecular consequence: missense variant. On other transcripts: non-coding transcript variant (1).
Genome position (GRCh38, 1-based): chr9:95,476,143, C>T on the plus strand (G>A on the coding strand, the complement: PTCH1 is on the minus strand). VCF-style: chr9-95476143-C-T. GRCh37 (hg19) VCF-style: chr9-98238425-C-T.
Other names: c.1421G>A, p.Cys474Tyr (NM_001083602.3); c.1616G>A, p.Cys539Tyr (NM_001083603.3); c.1166G>A, p.Cys389Tyr (NM_001083604.3, NM_001083605.3, NM_001083606.3 and 1 more transcripts); c.1463G>A, p.Cys488Tyr (NM_001354918.2); short protein forms C488Y, C474Y, C540Y, C389Y, C539Y.
Identifiers: ClinVar variation 2059820 (VCV002059820.5), dbSNP rs2118260131, ClinGen allele CA374118092.
Genomic context (GRCh38, chr9:95,476,143, plus strand): 5'-AAGAAGGCTGTGACATTGCTGATGGACGTGAGGGCCACGCTGGCTCCTGTGCGCTTCAGG[C>T]ACTCCCCGGTCCTGTCCTGGGAATAAAAAAACACAGCGCTGAGAGCTGCACTGGACATGG-3'
Protein context (NP_000255.2, residues 530-550): RIPFEDRTGE[Cys540Tyr]LKRTGASVAL